The following is an entry in ClinVar:

NC_000001.10:g.(?_955543)_(3350385_?)del

Genes: CDK11B (cyclin dependent kinase 11B; minus strand), CFAP74 (cilia and flagella associated protein 74; minus strand), CPTP (ceramide-1-phosphate transfer protein; plus strand), DVL1 (dishevelled segment polarity protein 1; minus strand), FAAP20 (FA core complex associated protein 20; minus strand) and 55 more. Cytogenetic location: 1p36.33-36.32.
Variant type: Deletion.
Identifiers: ClinVar variation 833146 (VCV000833146.1).

ClinVar aggregate classification (germline): Uncertain significance (1 of 4 stars; one submission).

Conditions:
Left ventricular noncompaction 8 (LVNC8). Identifiers: Orphanet 154, Orphanet 54260, MedGen C3809288, MONDO:0014152, OMIM 615373.

Submission:

Labcorp Genetics (formerly Invitae), Labcorp
Classification: Uncertain significance for Left ventricular noncompaction 8. Last evaluated: 2019-05-22. Review status: criteria provided, single submitter. Criteria: Invitae Variant Classification Sherloc (09022015). Collection method: clinical testing. Allele origin: germline.
Comment: A gross deletion of the genomic region encompassing the full coding sequence of the PRDM16 gene has been identified. The boundaries of this event are unknown as the deletion extends beyond the assayed region for this gene and therefore may encompass additional genes. This variant has not been reported in the literature in individuals with PRDM16-related conditions. The current clinical and genetic evidence is not sufficient to establish whether loss-of-function variants in PRDM16 cause disease. In summary, the available evidence is currently insufficient to determine the role of this variant in disease. Therefore, it has been classified as a Variant of Uncertain Significance.